The following is an entry in ClinVar:

NM_005751.5(AKAP9):c.5752A>C (p.Ser1918Arg)

Gene: AKAP9 (A-kinase anchoring protein 9; plus strand). Cytogenetic location: 7q21.2.
Variant type: single nucleotide variant.
Coding change: c.5752A>C on transcript NM_005751.5 (MANE Select); coding-DNA position 5752, A replaced by C.
Protein change: p.Ser1918Arg; replaces serine 1918 with arginine.
Molecular consequence: missense variant.
Genome position (GRCh38, 1-based): chr7:92,061,410, A>C. VCF-style: chr7-92061410-A-C. GRCh37 (hg19) VCF-style: chr7-91690724-A-C.
Other names: c.397A>C, p.Ser133Arg (NM_001379277.1); c.5752A>C, p.Ser1918Arg (NM_147185.3); short protein forms S1918R, S133R.
Identifiers: ClinVar variation 457113 (VCV000457113.11), dbSNP rs1000673132, ClinGen allele CA161912601.

ClinVar aggregate classification (germline): Uncertain significance. Review status: criteria provided, multiple submitters, no conflicts (2 of 4 stars). 3 submissions from 3 submitters: Uncertain significance (3). Last evaluated 2025-10-27.

Conditions:
Cardiovascular phenotype. Identifiers: MedGen CN230736.
Long QT syndrome (LQTS). Identifiers: MedGen C0023976, MeSH D008133, MONDO:0002442. Disease mechanism: loss of function. Inheritance: Various modes of inheritance.
Long QT syndrome 11 (LQT11). Identifiers: Orphanet 101016, Orphanet 768, MedGen C2678483, MONDO:0012738, OMIM 611820.

Allele frequency attached by ClinVar (database versions not stated): gnomAD 0.00003 and 0.00004; TOPMed 0.00004.
gnomAD v4.1: 14 of 1,612,536 alleles (0.00087%); highest among the groups gnomAD compares: African/African-American, 0.012%; no homozygotes.

Submissions (3):

Ambry Genetics
Classification: Uncertain significance for Cardiovascular phenotype. Last evaluated: 2025-10-27. Review status: criteria provided, single submitter. Criteria: Ambry Variant Classification Scheme 2023. Collection method: clinical testing. Allele origin: germline.
Comment: The p.S1918R variant (also known as c.5752A>C), located in coding exon 23 of the AKAP9 gene, results from an A to C substitution at nucleotide position 5752. The serine at codon 1918 is replaced by arginine, an amino acid with dissimilar properties. This amino acid position is not well conserved in available vertebrate species. In addition, this alteration is predicted to be tolerated by in silico analysis. Since supporting evidence is limited at this time, the clinical significance of this alteration remains unclear.

Labcorp Genetics (formerly Invitae), Labcorp
Classification: Uncertain significance for Long QT syndrome. Last evaluated: 2025-08-24. Review status: criteria provided, single submitter. Criteria: Invitae Variant Classification Sherloc (09022015). Collection method: clinical testing. Allele origin: germline.
Comment: This sequence change replaces serine, which is neutral and polar, with arginine, which is basic and polar, at codon 1918 of the AKAP9 protein (p.Ser1918Arg). This variant is present in population databases (no rsID available, gnomAD 0.02%). This variant has not been reported in the literature in individuals affected with AKAP9-related conditions. ClinVar contains an entry for this variant (Variation ID: 457113). An algorithm developed to predict the effect of missense changes on protein structure and function (PolyPhen-2) suggests that this variant is likely to be disruptive. In summary, the available evidence is currently insufficient to determine the role of this variant in disease. Therefore, it has been classified as a Variant of Uncertain Significance.

Fulgent Genetics
Classification: Uncertain significance for Long QT syndrome 11. Last evaluated: 2021-12-03. Review status: criteria provided, single submitter. Criteria: ACMG Guidelines, 2015. Collection method: clinical testing. Allele origin: unknown.